The following is an entry in ClinVar:

ClinVar aggregate classification (germline): Conflicting classifications of pathogenicity. Review status: criteria provided, conflicting classifications (1 of 4 stars). 2 submissions from 2 submitters: Uncertain significance (1); Likely benign (1). Last evaluated 2026-05-26.

Conditions:
Catecholaminergic polymorphic ventricular tachycardia 1. Also called: VENTRICULAR TACHYCARDIA, CATECHOLAMINERGIC POLYMORPHIC, 1, WITH OR WITHOUT ATRIAL DYSFUNCTION AND/OR DILATED CARDIOMYOPATHY; VENTRICULAR TACHYCARDIA, STRESS-INDUCED POLYMORPHIC 1; RYR2-Related Catecholaminergic Polymorphic Ventricular Tachycardia. Identifiers: Orphanet 3286, MedGen C1631597, MONDO:0011484, OMIM 604772.
Cardiovascular phenotype. Identifiers: MedGen CN230736.

Submissions (2):

Ambry Genetics
Classification: Uncertain significance for Cardiovascular phenotype. Last evaluated: 2026-05-26. Review status: criteria provided, single submitter. Criteria: Ambry Variant Classification Scheme 2023. Collection method: clinical testing. Allele origin: germline.
Comment: The c.6689-5A>G intronic variant results from an A to G substitution 5 nucleotides upstream from coding exon 44 in the RYR2 gene. This nucleotide position is well conserved in available vertebrate species. In silico splice site analysis predicts that this alteration will not have any significant effect on splicing. Based on the available evidence, the clinical significance of this variant remains unclear.

Labcorp Genetics (formerly Invitae), Labcorp
Classification: Likely benign for Catecholaminergic polymorphic ventricular tachycardia 1. Last evaluated: 2025-08-10. Review status: criteria provided, single submitter. Criteria: Invitae Variant Classification Sherloc (09022015). Collection method: clinical testing. Allele origin: germline.

NM_001035.3(RYR2):c.6689-5A>G

Gene: RYR2 (ryanodine receptor 2; plus strand). Cytogenetic location: 1q43.
Variant type: single nucleotide variant.
Coding change: c.6689-5A>G on transcript NM_001035.3 (MANE Select); 5 bases into the intron before coding-DNA position 6689, A replaced by G.
Molecular consequence: intron variant.
Genome position (GRCh38, 1-based): chr1:237,634,884, A>G. VCF-style: chr1-237634884-A-G. GRCh37 (hg19) VCF-style: chr1-237798184-A-G.
Other names: c.6689-5A>G (NM_001035.2).
Identifiers: ClinVar variation 4725120 (VCV004725120.2).